The following is an entry in ClinVar:

ClinVar aggregate classification (germline): Conflicting classifications of pathogenicity. Review status: criteria provided, conflicting classifications (1 of 4 stars). 6 submissions from 6 submitters: Uncertain significance (4); Likely benign (1). 1 of the submissions does not count toward it. Last evaluated 2026-10-13.

Conditions:
Inborn genetic diseases. Identifiers: MedGen C0950123, MeSH D030342.
Nemaline myopathy 2 (NEM2). Also called: Nemaline myopathy 2, autosomal recessive. Identifiers: MedGen C1850569, MONDO:0009725, OMIM 256030.

Allele frequency attached by ClinVar (database versions not stated): TOPMed 0.00004; gnomAD 0.00005.
gnomAD v4.1: 115 of 1,613,864 alleles (0.0071%); highest among the groups gnomAD compares: Non-Finnish European, 0.0096%; no homozygotes.

Submissions (6):

GeneDx
Classification: Uncertain significance. Last evaluated: 2026-10-13. Review status: criteria provided, single submitter. Criteria: GeneDx Variant Classification Process June 2021. Collection method: clinical testing. Allele origin: germline.
Comment: Not observed at significant frequency in large population cohorts (gnomAD); In silico analysis supports that this missense variant has a deleterious effect on protein structure/function; Has not been previously published as pathogenic or benign to our knowledge

Ambry Genetics
Classification: Uncertain significance for Inborn genetic diseases. Last evaluated: 2025-11-07. Review status: criteria provided, single submitter. Criteria: Ambry Variant Classification Scheme 2023. Collection method: clinical testing. Allele origin: germline.

Labcorp Genetics (formerly Invitae), Labcorp
Classification: Likely benign for Nemaline myopathy 2. Last evaluated: 2025-10-24. Review status: criteria provided, single submitter. Criteria: Invitae Variant Classification Sherloc (09022015). Collection method: clinical testing. Allele origin: germline.

Mayo Clinic Laboratories, Mayo Clinic
Classification: Uncertain significance. Last evaluated: 2019-12-16. Review status: criteria provided, single submitter. Criteria: ACMG Guidelines, 2015. Collection method: clinical testing. Allele origin: germline. Observed: 1 variant allele.

Illumina Laboratory Services, Illumina
Classification: Uncertain significance for Nemaline myopathy 2. Last evaluated: 2018-01-13. Review status: criteria provided, single submitter. Criteria: ICSL Variant Classification Criteria 13 December 2019. Collection method: clinical testing. Allele origin: germline.

Natera, Inc.
Classification: Uncertain significance for Nemaline myopathy type 2. Last evaluated: 2019-11-11. Review status: no assertion criteria provided. Collection method: clinical testing. Allele origin: germline. Not counted in ClinVar's aggregate classification.

NM_001164508.2(NEB):c.3716G>T (p.Ser1239Ile)

Gene: NEB (nebulin; minus strand). Cytogenetic location: 2q23.3.
Variant type: single nucleotide variant.
Coding change: c.3716G>T on transcript NM_001164508.2 (MANE Select); coding-DNA position 3716, G replaced by T.
Protein change: p.Ser1239Ile; replaces serine 1239 with isoleucine.
Molecular consequence: missense variant.
Genome position (GRCh38, 1-based): chr2:151,677,623, C>A on the plus strand (G>T on the coding strand, the complement: NEB is on the minus strand). VCF-style: chr2-151677623-C-A. GRCh37 (hg19) VCF-style: chr2-152534137-C-A.
Other names: c.3716G>T, p.Ser1239Ile (NM_001164507.2, NM_001271208.2, NM_004543.5); short protein forms S1239I.
Identifiers: ClinVar variation 331515 (VCV000331515.23), dbSNP rs201541240, ClinGen allele CA1910845.